The following is an entry in ClinVar:

ClinVar aggregate classification (germline): Likely benign (1 of 4 stars; one submission).

gnomAD v4.1: 3 of 103,657 alleles (0.0029%); highest among the groups gnomAD compares: East Asian, 0.06%; no homozygotes.

Submission:

CeGaT Center for Human Genetics Tuebingen
Classification: Likely benign. Last evaluated: 2025-04-01. Review status: criteria provided, single submitter. Criteria: CeGaT Center For Human Genetics Tuebingen Variant Classification Criteria Version 2. Collection method: clinical testing. Allele origin: germline. Affected: yes. Observed: 1 variant allele.
Comment: ATP7A: BP4, BS2

NM_000052.7(ATP7A):c.1544-809T>G

Gene: ATP7A (ATPase copper transporting alpha; plus strand). Cytogenetic location: Xq21.1.
Variant type: single nucleotide variant.
Coding change: c.1544-809T>G on transcript NM_000052.7 (MANE Select); 809 bases into the intron before coding-DNA position 1544, T replaced by G.
Molecular consequence: intron variant.
Genome position (GRCh38, 1-based): chrX:78,002,264, T>G. VCF-style: chrX-78002264-T-G. GRCh37 (hg19) VCF-style: chrX-77257761-T-G.
Other names: c.1544-809T>G (NM_001282224.2).
Identifiers: ClinVar variation 3905669 (VCV003905669.10).